The following is an entry in ClinVar:

ClinVar aggregate classification (germline): Uncertain significance. Review status: criteria provided, multiple submitters, no conflicts (2 of 4 stars). 2 submissions from 2 submitters: Uncertain significance (2). Last evaluated 2026-04-14.

Conditions:
Familial intrahepatic cholestasis. Identifiers: Orphanet 284385, MedGen CN296401, MONDO:0017290.

Submissions (2):

Genomenon, Inc
Classification: Uncertain significance for Familial intrahepatic cholestasis. Last evaluated: 2026-04-14. Review status: criteria provided, single submitter. Criteria: Genomenon Sequence Variant Interpretation Standards - Updated. Collection method: curation. Allele origin: germline. Affected: yes.
Comment: ABCB11 p.Gly455Ala (c.1364G>C) is a missense variant that changes the amino acid at residue 455 from Glycine to Alanine. This variant has been observed in at least one proband with an ABCB11-related disorder (PMID:39960943;31450232). It is absent or not present at a significant frequency in gnomAD. In silico models predict that this variant is possibly or probably damaging. In conclusion, we classify ABCB11 p.Gly455Ala (c.1364G>C) as a variant of uncertain significance.

Women's Health and Genetics/Laboratory Corporation of America, LabCorp
Classification: Uncertain significance. Last evaluated: 2025-06-03. Review status: criteria provided, single submitter. Criteria: LabCorp Variant Classification Summary - May 2015. Collection method: clinical testing. Allele origin: germline.
Comment: Variant summary: ABCB11 c.1364G>C (p.Gly455Ala) results in a non-conservative amino acid change in the encoded protein sequence. Algorithms developed to predict the effect of missense changes on protein structure and function all suggest that this variant is likely to be disruptive. The variant was absent in 248746 control chromosomes (gnomAD). The available data on variant occurrences in the general population are insufficient to allow any conclusion about variant significance. c.1364G>C has been observed in an individual affected with Familial Intrahepatic Cholestasis (Wang_2020). These data do not allow any conclusion about variant significance. To our knowledge, no experimental evidence demonstrating an impact on protein function has been reported. The following publication has been ascertained in the context of this evaluation (PMID: 31450232). No submitters have cited clinical-significance assessments for this variant to ClinVar. Based on the evidence outlined above, the variant was classified as uncertain significance.

Literature cited by the submitters: PubMed 39960943 (cited by Genomenon, Inc); PubMed 31450232 (cited by Genomenon, Inc and Women's Health and Genetics/Laboratory Corporation of America, LabCorp).

NM_003742.4(ABCB11):c.1364G>C (p.Gly455Ala)

Gene: ABCB11 (ATP binding cassette subfamily B member 11; minus strand). Cytogenetic location: 2q31.1.
Variant type: single nucleotide variant.
Coding change: c.1364G>C on transcript NM_003742.4 (MANE Select); coding-DNA position 1364, G replaced by C.
Protein change: p.Gly455Ala; replaces glycine 455 with alanine.
Molecular consequence: missense variant.
Genome position (GRCh38, 1-based): chr2:168,973,785, C>G on the plus strand (G>C on the coding strand, the complement: ABCB11 is on the minus strand). VCF-style: chr2-168973785-C-G. GRCh37 (hg19) VCF-style: chr2-169830295-C-G.
Other names: short protein forms G455A.
Identifiers: ClinVar variation 3907428 (VCV003907428.2).